The following is an entry in ClinVar:

NM_014855.3(AP5Z1):c.369T>C (p.Gly123=)

Gene: AP5Z1 (adaptor related protein complex 5 subunit zeta 1; plus strand). Cytogenetic location: 7p22.1.
Variant type: single nucleotide variant.
Coding change: c.369T>C on transcript NM_014855.3 (MANE Select); coding-DNA position 369, T replaced by C.
Protein change: p.Gly123=; no amino-acid change (glycine 123 retained).
Molecular consequence: synonymous variant. On other transcripts: 5 prime UTR variant (1), non-coding transcript variant (1).
Genome position (GRCh38, 1-based): chr7:4,783,318, T>C. VCF-style: chr7-4783318-T-C. GRCh37 (hg19) VCF-style: chr7-4822949-T-C.
Other names: c.369T>C, p.Gly123= (LRG_1247t1); c.-100T>C (NM_001364858.1).
Identifiers: ClinVar variation 585438 (VCV000585438.13), dbSNP rs182431279, ClinGen allele CA4137185.
Genomic context (GRCh38, chr7:4,783,318, plus strand): 5'-GGGGAGCTGGTCTCTGGCACAGGCCAGTACCCCAGCGTTTGCCCTGTTTGATTTGAAGGG[T>C]GACAGAAACGAGGAGGTCAGAGCCGTGGGCCAGGGCGTGCTACGAGCGCTGGAGAGCCGG-3'
Protein context (NP_055670.1, residues 113-133): SLVASVLLAQ[Gly123=]DRNEEVRAVG

ClinVar aggregate classification (germline): Benign/Likely benign. Review status: criteria provided, multiple submitters, no conflicts (2 of 4 stars). 3 submissions from 3 submitters: Benign (2); Likely benign (1). Last evaluated 2026-02-03.

Conditions:
Hereditary spastic paraplegia 48. Also called: Spastic paraplegia 48; SPASTIC PARAPLEGIA 48, AUTOSOMAL RECESSIVE. Identifiers: Orphanet 306511, MedGen C3150901, MONDO:0013342, OMIM 613647.

Allele frequency attached by ClinVar (database versions not stated): gnomAD exomes 0.00105; 1000 Genomes Project 30x 0.00328; 1000 Genomes Project 0.00339; gnomAD 0.00437 and 0.00474; ESP Exome Variant Server 0.00441; TOPMed 0.00478.
gnomAD v4.1: 1,219 of 1,605,376 alleles (0.076%); highest among the groups gnomAD compares: African/African-American, 1.5%; 5 homozygotes.

Submissions (3):

Labcorp Genetics (formerly Invitae), Labcorp
Classification: Benign for Hereditary spastic paraplegia 48. Last evaluated: 2026-02-03. Review status: criteria provided, single submitter. Criteria: Invitae Variant Classification Sherloc (09022015). Collection method: clinical testing. Allele origin: germline.

GeneDx
Classification: Likely benign. Last evaluated: 2022-02-12. Review status: criteria provided, single submitter. Criteria: GeneDx Variant Classification Process June 2021. Collection method: clinical testing. Allele origin: germline. Affected: yes.
Comment: See Variant Classification Assertion Criteria.

Athena Diagnostics
Classification: Benign. Last evaluated: 2018-08-02. Review status: criteria provided, single submitter. Criteria: Athena Diagnostics Criteria. Collection method: clinical testing. Allele origin: germline.